The following is an entry in ClinVar:

ClinVar aggregate classification (germline): Likely benign. Review status: criteria provided, multiple submitters, no conflicts (2 of 4 stars). 4 submissions from 4 submitters: Likely benign (4). Last evaluated 2026-02-12.

Conditions:
Charcot-Marie-Tooth disease axonal type 2C (HMSN2C). Also called: CHARCOT-MARIE-TOOTH DISEASE, AXONAL, AUTOSOMAL DOMINANT, TYPE 2C; Charcot-Marie-Tooth Neuropathy Type 2C; Charcot-Marie-Tooth Disease Type 2, TRPV4-Related (CMT2C). Identifiers: Orphanet 99937, MedGen C1853710, MONDO:0011633, OMIM 606071.
TRPV4-related disorder. Also called: TRPV4-related disorders; TRPV4-related condition.
Inborn genetic diseases. Identifiers: MedGen C0950123, MeSH D030342.

Allele frequency attached by ClinVar (database versions not stated): gnomAD 0.00001; TOPMed 0.00001; gnomAD exomes 0.00002.
gnomAD v4.1: 12 of 1,613,930 alleles (0.00074%); highest among the groups gnomAD compares: Admixed American, 0.012%; no homozygotes.

Submissions (4):

PreventionGenetics, part of Exact Sciences
Classification: Likely benign for TRPV4-related condition. Last evaluated: 2026-02-12. Review status: criteria provided, single submitter. Criteria: ACMG Guidelines, 2015. Collection method: clinical testing. Allele origin: germline.
Comment: This variant is classified as likely benign based on ACMG/AMP sequence variant interpretation guidelines (Richards et al. 2015 PMID: 25741868, with internal and published modifications).

Labcorp Genetics (formerly Invitae), Labcorp
Classification: Likely benign for Charcot-Marie-Tooth disease axonal type 2C. Last evaluated: 2025-04-19. Review status: criteria provided, single submitter. Criteria: Invitae Variant Classification Sherloc (09022015). Collection method: clinical testing. Allele origin: germline.

Ambry Genetics
Classification: Likely benign for Inborn genetic diseases. Last evaluated: 2019-07-11. Review status: criteria provided, single submitter. Criteria: Ambry Variant Classification Scheme 2023. Collection method: clinical testing. Allele origin: germline.

Breakthrough Genomics
Classification: Likely benign. Review status: criteria provided, single submitter. Criteria: ACMG Guidelines, 2015. Collection method: not provided. Allele origin: germline. Inheritance: Autosomal dominant inheritance. Affected: yes.

NM_021625.5(TRPV4):c.2244C>T (p.Phe748=)

Gene: TRPV4 (transient receptor potential cation channel subfamily V member 4; minus strand). Cytogenetic location: 12q24.11.
Variant type: single nucleotide variant.
Coding change: c.2244C>T on transcript NM_021625.5 (MANE Select); coding-DNA position 2244, C replaced by T.
Protein change: p.Phe748=; no amino-acid change (phenylalanine 748 retained).
Molecular consequence: synonymous variant.
Genome position (GRCh38, 1-based): chr12:109,786,802, G>A on the plus strand (C>T on the coding strand, the complement: TRPV4 is on the minus strand). VCF-style: chr12-109786802-G-A. GRCh37 (hg19) VCF-style: chr12-110224607-G-A.
Other names: c.2103C>T, p.Phe701= (NM_001177428.2); c.2142C>T, p.Phe714= (NM_001177431.2); c.1923C>T, p.Phe641= (NM_001177433.2); c.2064C>T, p.Phe688= (NM_147204.3).
Identifiers: ClinVar variation 536875 (VCV000536875.12), dbSNP rs1340974810, ClinGen allele CA481724202.